The following is an entry in ClinVar:

ClinVar aggregate classification (germline): Uncertain significance. Review status: criteria provided, multiple submitters, no conflicts (2 of 4 stars). 2 submissions from 2 submitters: Uncertain significance (2). Last evaluated 2025-04-01.

gnomAD v4.1: 44 of 1,614,074 alleles (0.0027%); highest among the groups gnomAD compares: South Asian, 0.025%; 1 homozygote.

Submissions (2):

Labcorp Genetics (formerly Invitae), Labcorp
Classification: Uncertain significance. Last evaluated: 2025-04-01. Review status: criteria provided, single submitter. Criteria: Invitae Variant Classification Sherloc (09022015). Collection method: clinical testing. Allele origin: germline.
Comment: This sequence change replaces arginine, which is basic and polar, with glutamine, which is neutral and polar, at codon 7 of the ACOX2 protein (p.Arg7Gln). This variant is present in population databases (rs755275922, gnomAD 0.03%). This variant has not been reported in the literature in individuals affected with ACOX2-related conditions. ClinVar contains an entry for this variant (Variation ID: 3481771). An algorithm developed to predict the effect of missense changes on protein structure and function (PolyPhen-2) suggests that this variant is likely to be disruptive. In summary, the available evidence is currently insufficient to determine the role of this variant in disease. Therefore, it has been classified as a Variant of Uncertain Significance.

Ambry Genetics
Classification: Uncertain significance. Last evaluated: 2024-09-05. Review status: criteria provided, single submitter. Criteria: Ambry Variant Classification Scheme 2023. Collection method: clinical testing. Allele origin: germline.

NM_003500.4(ACOX2):c.20G>A (p.Arg7Gln)

Gene: ACOX2 (acyl-CoA oxidase 2; minus strand). Cytogenetic location: 3p14.3.
Variant type: single nucleotide variant.
Coding change: c.20G>A on transcript NM_003500.4 (MANE Select); coding-DNA position 20, G replaced by A.
Protein change: p.Arg7Gln; replaces arginine 7 with glutamine.
Molecular consequence: missense variant.
Genome position (GRCh38, 1-based): chr3:58,535,087, C>T on the plus strand (G>A on the coding strand, the complement: ACOX2 is on the minus strand). VCF-style: chr3-58535087-C-T. GRCh37 (hg19) VCF-style: chr3-58520814-C-T.
Other names: short protein forms R7Q.
Identifiers: ClinVar variation 3481771 (VCV003481771.3).
Genomic context (GRCh38, chr3:58,535,087, plus strand): 5'-TACCTCTCGCTCTCTATGTCGGGGTGCATTTGCCTGCTCCAGGTATCCCCCAATGACACT[C>T]GGTGCACTGGGCTGCCCATCCTATCCTGGATCTGTCTGGTGACTATGGAGAGACACTTCC-3'
Protein context (NP_003491.1, residues 1-17): MGSPVH[Arg7Gln]VSLGDTWSRQ